The following is an entry in ClinVar:

ClinVar aggregate classification (germline): Benign (0 of 4 stars; one submission).

Conditions:
CILP-related disorder. Also called: CILP-related condition.

Allele frequency attached by ClinVar (database versions not stated): ESP Exome Variant Server 0.73120; gnomAD 0.75613; TOPMed 0.75669; 1000 Genomes Project 30x 0.79825; 1000 Genomes Project 0.80571; gnomAD exomes 0.81039; ExAC 0.82176.
gnomAD v4.1: 1,284,022 of 1,594,238 alleles (81%); highest among the groups gnomAD compares: East Asian, 100%; 520,488 homozygotes.

Submission:

PreventionGenetics, part of Exact Sciences
Classification: Benign for CILP-related condition. Last evaluated: 2019-10-16. Review status: no assertion criteria provided. Collection method: clinical testing. Allele origin: germline.
Comment: This variant is classified as benign based on ACMG/AMP sequence variant interpretation guidelines (Richards et al. 2015 PMID: 25741868, with internal and published modifications).

NM_003613.4(CILP):c.3496G>A (p.Gly1166Ser)

Gene: CILP (cartilage intermediate layer protein; minus strand). Cytogenetic location: 15q22.31.
Variant type: single nucleotide variant.
Coding change: c.3496G>A on transcript NM_003613.4 (MANE Select); coding-DNA position 3496, G replaced by A.
Protein change: p.Gly1166Ser; replaces glycine 1166 with serine.
Molecular consequence: missense variant.
Genome position (GRCh38, 1-based): chr15:65,196,790, C>T on the plus strand (G>A on the coding strand, the complement: CILP is on the minus strand). VCF-style: chr15-65196790-C-T. GRCh37 (hg19) VCF-style: chr15-65489128-C-T.
Other names: short protein forms G1166S.
Identifiers: ClinVar variation 3060299 (VCV003060299.2), dbSNP rs938952, ClinGen allele CA7615075.